The following is an entry in ClinVar:

NM_015693.4(INTU):c.83A>T (p.Asp28Val)

Gene: INTU (inturned planar cell polarity protein; plus strand). Cytogenetic location: 4q28.1.
Variant type: single nucleotide variant.
Coding change: c.83A>T on transcript NM_015693.4 (MANE Select); coding-DNA position 83, A replaced by T.
Protein change: p.Asp28Val; replaces aspartic acid 28 with valine.
Molecular consequence: missense variant.
Genome position (GRCh38, 1-based): chr4:127,633,117, A>T. VCF-style: chr4-127633117-A-T. GRCh37 (hg19) VCF-style: chr4-128554272-A-T.
Other names: c.83A>T (NM_015693.3); short protein forms D28V.
Identifiers: ClinVar variation 2977235 (VCV002977235.4), dbSNP rs1726908847, ClinGen allele CA358131953.

ClinVar aggregate classification (germline): Uncertain significance. Review status: criteria provided, multiple submitters, no conflicts (2 of 4 stars). 2 submissions from 2 submitters: Uncertain significance (2). Last evaluated 2025-09-24.

Conditions:
Inborn genetic diseases. Identifiers: MedGen C0950123, MeSH D030342.

Allele frequency attached by ClinVar (database versions not stated): gnomAD exomes below 0.00001; TOPMed 0.00001.
gnomAD v4.1: 1 of 1,614,072 alleles (0.000062%); highest among the groups gnomAD compares: African/African-American, 0.0013%; no homozygotes.

Submissions (2):

Ambry Genetics
Classification: Uncertain significance for Inborn genetic diseases. Last evaluated: 2025-09-24. Review status: criteria provided, single submitter. Criteria: Ambry Variant Classification Scheme 2023. Collection method: clinical testing. Allele origin: germline.

Labcorp Genetics (formerly Invitae), Labcorp
Classification: Uncertain significance. Last evaluated: 2023-10-11. Review status: criteria provided, single submitter. Criteria: Invitae Variant Classification Sherloc (09022015). Collection method: clinical testing. Allele origin: germline.
Comment: This sequence change replaces aspartic acid, which is acidic and polar, with valine, which is neutral and non-polar, at codon 28 of the INTU protein (p.Asp28Val). This variant is not present in population databases (gnomAD no frequency). This variant has not been reported in the literature in individuals affected with INTU-related conditions. An algorithm developed to predict the effect of missense changes on protein structure and function (PolyPhen-2) suggests that this variant is likely to be tolerated. In summary, the available evidence is currently insufficient to determine the role of this variant in disease. Therefore, it has been classified as a Variant of Uncertain Significance.